The following is an entry in ClinVar:

NM_001130144.3(LTBP3):c.1001G>C (p.Arg334Pro)

Gene: LTBP3 (latent transforming growth factor beta binding protein 3; minus strand). Cytogenetic location: 11q13.1.
Variant type: single nucleotide variant.
Coding change: c.1001G>C on transcript NM_001130144.3 (MANE Select); coding-DNA position 1001, G replaced by C.
Protein change: p.Arg334Pro; replaces arginine 334 with proline.
Molecular consequence: missense variant.
Genome position (GRCh38, 1-based): chr11:65,553,226, C>G on the plus strand (G>C on the coding strand, the complement: LTBP3 is on the minus strand). VCF-style: chr11-65553226-C-G. GRCh37 (hg19) VCF-style: chr11-65320697-C-G.
Other names: c.1001G>C (NM_001130144.2); c.650G>C, p.Arg217Pro (NM_001164266.1); c.1001G>C, p.Arg334Pro (NM_021070.4); short protein forms R217P, R334P.
Identifiers: ClinVar variation 1426215 (VCV001426215.9), dbSNP rs750231928, ClinGen allele CA6101099.
Genomic context (GRCh38, chr11:65,553,226, plus strand): 5'-TGGCAGTGGGTGCTGTTAAGCCTCTTGTAGCCCTGGGGACAGTCAGCGCCCACTTCCCCA[C>G]GTACAGGCCCTGGCTTCTGCACTCCTGTGTCTGCAGAGAGAGGATAGCTTGGCAGGGGAG-3'
Protein context (NP_001123616.1, residues 324-344): YTGVQKPGPV[Arg334Pro]GEVGADCPQG

ClinVar aggregate classification (germline): Uncertain significance. Review status: criteria provided, multiple submitters, no conflicts (2 of 4 stars). 2 submissions from 2 submitters: Uncertain significance (2). Last evaluated 2026-05-28.

Conditions:
Brachyolmia-amelogenesis imperfecta syndrome. Also called: PLATYSPONDYLY WITH AMELOGENESIS IMPERFECTA; Tooth agenesis, selective, 6; Dental anomalies and short stature. Identifiers: Orphanet 2899, MedGen C1832594, MONDO:0011018, OMIM 601216. Disease mechanism: loss of function.
Inborn genetic diseases. Identifiers: MedGen C0950123, MeSH D030342.

gnomAD v4.1: 12 of 1,614,024 alleles (0.00074%); highest among the groups gnomAD compares: Non-Finnish European, 0.001%; no homozygotes.

Submissions (2):

Ambry Genetics
Classification: Uncertain significance for Inborn genetic diseases. Last evaluated: 2026-05-28. Review status: criteria provided, single submitter. Criteria: Ambry Variant Classification Scheme 2023. Collection method: clinical testing. Allele origin: germline.
Comment: The p.R334P variant (also known as c.1001G>C), located in coding exon 5 of the LTBP3 gene, results from a G to C substitution at nucleotide position 1001. The arginine at codon 334 is replaced by proline, an amino acid with dissimilar properties. This amino acid position is conserved. In addition, the in silico prediction for this alteration is inconclusive. Based on the available evidence, the clinical significance of this variant remains unclear.

Labcorp Genetics (formerly Invitae), Labcorp
Classification: Uncertain significance for Brachyolmia-amelogenesis imperfecta syndrome. Last evaluated: 2025-04-17. Review status: criteria provided, single submitter. Criteria: Invitae Variant Classification Sherloc (09022015). Collection method: clinical testing. Allele origin: germline.
Comment: This sequence change replaces arginine, which is basic and polar, with proline, which is neutral and non-polar, at codon 334 of the LTBP3 protein (p.Arg334Pro). This variant is present in population databases (rs750231928, gnomAD 0.002%). This variant has not been reported in the literature in individuals affected with LTBP3-related conditions. ClinVar contains an entry for this variant (Variation ID: 1426215). An algorithm developed to predict the effect of missense changes on protein structure and function (PolyPhen-2) suggests that this variant is likely to be disruptive. In summary, the available evidence is currently insufficient to determine the role of this variant in disease. Therefore, it has been classified as a Variant of Uncertain Significance.